The following is an entry in ClinVar:

ClinVar aggregate classification (germline): Uncertain significance (1 of 4 stars; one submission).

Conditions:
Bethlem myopathy 1A. Also called: Bethlem Muscular Dystrophy; Bethlem myopathy 1; MYOPATHY, BENIGN CONGENITAL, WITH CONTRACTURES. Identifiers: Orphanet 610, MedGen CN029274, MONDO:0024530, OMIM 158810.

gnomAD v4.1: 2 of 1,609,324 alleles (0.00012%); highest among the groups gnomAD compares: African/African-American, 0.0027%; no homozygotes.

Submission:

Labcorp Genetics (formerly Invitae), Labcorp
Classification: Uncertain significance for Bethlem myopathy 1A. Last evaluated: 2022-08-15. Review status: criteria provided, single submitter. Criteria: Invitae Variant Classification Sherloc (09022015). Collection method: clinical testing. Allele origin: germline.
Comment: This variant is not present in population databases (gnomAD no frequency). This variant has not been reported in the literature in individuals affected with COL6A2-related conditions. ClinVar contains an entry for this variant (Variation ID: 662206). Advanced modeling of protein sequence and biophysical properties (such as structural, functional, and spatial information, amino acid conservation, physicochemical variation, residue mobility, and thermodynamic stability) performed at Invitae indicates that this missense variant is not expected to disrupt COL6A2 protein function. In summary, the available evidence is currently insufficient to determine the role of this variant in disease. Therefore, it has been classified as a Variant of Uncertain Significance. This sequence change replaces serine, which is neutral and polar, with alanine, which is neutral and non-polar, at codon 963 of the COL6A2 protein (p.Ser963Ala).

NM_001849.4(COL6A2):c.2887T>G (p.Ser963Ala)

Gene: COL6A2 (collagen type VI alpha 2 chain; plus strand). Cytogenetic location: 21q22.3.
Variant type: single nucleotide variant.
Coding change: c.2887T>G on transcript NM_001849.4 (MANE Select); coding-DNA position 2887, T replaced by G.
Protein change: p.Ser963Ala; replaces serine 963 with alanine.
Molecular consequence: missense variant.
Genome position (GRCh38, 1-based): chr21:46,132,379, T>G. VCF-style: chr21-46132379-T-G. GRCh37 (hg19) VCF-style: chr21-47552293-T-G.
Other names: short protein forms S963A.
Identifiers: ClinVar variation 662206 (VCV000662206.9), dbSNP rs771847588, ClinGen allele CA410549939.
Genomic context (GRCh38, chr21:46,132,379, plus strand): 5'-TCCTTCGTGTTCCTCACGGACGGCGTCACGGGCAACGACAGTCTGCACGAGTCGGCGCAC[T>G]CCATGCGCAAGCAGAACGTGGTACCCACCGTGCTGGCCTTGGGCAGCGACGTGGACATGG-3'
Protein context (NP_001840.3, residues 953-973): GNDSLHESAH[Ser963Ala]MRKQNVVPTV